The following is an entry in ClinVar:

ClinVar aggregate classification (germline): Likely benign (0 of 4 stars; one submission).

Conditions:
PLXNA3-related disorder. Also called: PLXNA3-related condition.

Allele frequency attached by ClinVar (database versions not stated): gnomAD exomes 0.00001; TOPMed 0.00002; gnomAD 0.00004.

Submission:

PreventionGenetics, part of Exact Sciences
Classification: Likely benign for PLXNA3-related condition. Last evaluated: 2021-11-08. Review status: no assertion criteria provided. Collection method: clinical testing. Allele origin: germline.
Comment: This variant is classified as likely benign based on ACMG/AMP sequence variant interpretation guidelines (Richards et al. 2015 PMID: 25741868, with internal and published modifications).

NM_017514.5(PLXNA3):c.2217C>T (p.Ser739=)

Gene: PLXNA3 (plexin A3; plus strand). Cytogenetic location: Xq28.
Variant type: single nucleotide variant.
Coding change: c.2217C>T on transcript NM_017514.5 (MANE Select); coding-DNA position 2217, C replaced by T.
Protein change: p.Ser739=; no amino-acid change (serine 739 retained).
Molecular consequence: synonymous variant.
Genome position (GRCh38, 1-based): chrX:154,465,191, C>T. VCF-style: chrX-154465191-C-T. GRCh37 (hg19) VCF-style: chrX-153693534-C-T.
Identifiers: ClinVar variation 3058549 (VCV003058549.2), dbSNP rs1282567562, ClinGen allele CA519712194.